The following is an entry in ClinVar:

ClinVar aggregate classification (germline): Pathogenic (1 of 4 stars; one submission).

Conditions:
Hereditary cancer-predisposing syndrome. Also called: Neoplastic Syndromes, Hereditary; Tumor predisposition; Hereditary Cancer Syndrome; Hereditary neoplastic syndrome. Identifiers: Orphanet 140162, MedGen C0027672, MeSH D009386, MONDO:0015356.

Submission:

Ambry Genetics
Classification: Pathogenic for Hereditary cancer-predisposing syndrome. Last evaluated: 2017-10-12. Review status: criteria provided, single submitter. Criteria: Ambry Variant Classification Scheme 2023. Collection method: clinical testing. Allele origin: germline.
Comment: The c.736_741delCCCCCTins11 variant (also known as c.736_741delCCCCCTinsGTGTGTGTGAA), located in coding exon 7 of the PMS2 gene, results from the deletion of 6 nucleotides and insertion of 11 nucleotides causing a translational frameshift with a predicted alternate stop codon (p.P246Vfs*14). This alteration is expected to result in loss of function by premature protein truncation or nonsense-mediated mRNA decay. As such, this alteration is interpreted as a disease-causing mutation.

NM_000535.7(PMS2):c.736_741delinsGTGTGTGTGAA (p.Pro246fs)

Gene: PMS2 (PMS1 homolog 2, mismatch repair system component; minus strand). Cytogenetic location: 7p22.1.
Variant type: Indel.
Coding change: c.736_741delinsGTGTGTGTGAA on transcript NM_000535.7 (MANE Select); coding-DNA positions 736 to 741, CCCCCT replaced by GTGTGTGTGAA.
Protein change: p.Pro246fs; shifts the reading frame from proline 246.
Molecular consequence: frameshift variant. On other transcripts: 5 prime UTR variant (2), non-coding transcript variant (1).
Genome position (GRCh38, 1-based): chr7:5,997,388-5,997,393, AGGGGG replaced by TTCACACACAC on the plus strand (CCCCCT replaced by GTGTGTGTGAA on the coding strand, the reverse complement: PMS2 is on the minus strand). VCF-style: chr7-5997388-AGGGGG-TTCACACACAC. GRCh37 (hg19) VCF-style: chr7-6037019-AGGGGG-TTCACACACAC.
Other names: c.331_336delCCCCCTinsGTGTGTGTGAA, p.Pro111Valfs (NM_001018040.1, NM_001406887.1, NM_001406888.1 and 15 more transcripts); c.331_336delinsGTGTGTGTGAA, p.Pro111fs (NM_001322003.2, NM_001322004.2, NM_001322005.2 and 2 more transcripts); c.736_741delinsGTGTGTGTGAA, p.Pro246fs (NM_001322006.2, NM_001322014.2); c.418_423delinsGTGTGTGTGAA, p.Pro140fs (NM_001322007.2, NM_001322008.2); c.-198_-193delinsGTGTGTGTGAA (NM_001322011.2, NM_001322012.2); c.163_168delinsGTGTGTGTGAA, p.Pro55fs (NM_001322013.2); c.427_432delinsGTGTGTGTGAA, p.Pro143fs (NM_001322015.2); c.922_927delCCCCCTinsGTGTGTGTGAA, p.Pro308Valfs (NM_001406866.1); and 9 more; short protein forms P140fs, P111fs, P143fs, P246fs, P55fs.
Identifiers: ClinVar variation 1758513 (VCV001758513.2), dbSNP rs267608150, ClinGen allele CA2580076864.